The following is an entry in ClinVar:

ClinVar aggregate classification (germline): Uncertain significance. Review status: criteria provided, multiple submitters, no conflicts (2 of 4 stars). 2 submissions from 2 submitters: Uncertain significance (2). Last evaluated 2023-06-22.

Conditions:
Inborn genetic diseases. Identifiers: MedGen C0950123, MeSH D030342.

Allele frequency attached by ClinVar (database versions not stated): gnomAD exomes 0.00002; ExAC 0.00006; gnomAD 0.00011; TOPMed 0.00012; 1000 Genomes Project 0.00040; 1000 Genomes Project 30x 0.00047.
gnomAD v4.1: 42 of 1,599,018 alleles (0.0026%); highest among the groups gnomAD compares: African/African-American, 0.053%; no homozygotes.

Submissions (2):

Ambry Genetics
Classification: Uncertain significance for Inborn genetic diseases. Last evaluated: 2023-06-22. Review status: criteria provided, single submitter. Criteria: Ambry Variant Classification Scheme 2023. Collection method: clinical testing. Allele origin: germline.

Labcorp Genetics (formerly Invitae), Labcorp
Classification: Uncertain significance. Last evaluated: 2022-08-20. Review status: criteria provided, single submitter. Criteria: Invitae Variant Classification Sherloc (09022015). Collection method: clinical testing. Allele origin: germline.
Comment: In summary, the available evidence is currently insufficient to determine the role of this variant in disease. Therefore, it has been classified as a Variant of Uncertain Significance. Algorithms developed to predict the effect of missense changes on protein structure and function (SIFT, PolyPhen-2, Align-GVGD) all suggest that this variant is likely to be disruptive. This variant has not been reported in the literature in individuals affected with LTBP2-related conditions. This variant is present in population databases (rs541162496, gnomAD 0.07%). This sequence change replaces alanine, which is neutral and non-polar, with threonine, which is neutral and polar, at codon 484 of the LTBP2 protein (p.Ala484Thr).

NM_000428.3(LTBP2):c.1450G>A (p.Ala484Thr)

Gene: LTBP2 (latent transforming growth factor beta binding protein 2; minus strand). Cytogenetic location: 14q24.3.
Variant type: single nucleotide variant.
Coding change: c.1450G>A on transcript NM_000428.3 (MANE Select); coding-DNA position 1450, G replaced by A.
Protein change: p.Ala484Thr; replaces alanine 484 with threonine.
Molecular consequence: missense variant.
Genome position (GRCh38, 1-based): chr14:74,551,300, C>T on the plus strand (G>A on the coding strand, the complement: LTBP2 is on the minus strand). VCF-style: chr14-74551300-C-T. GRCh37 (hg19) VCF-style: chr14-75018003-C-T.
Other names: c.1450G>A (NM_000428.2); short protein forms A484T.
Identifiers: ClinVar variation 2080484 (VCV002080484.5), dbSNP rs541162496, ClinGen allele CA7269871.